The following is an entry in ClinVar:

NM_021927.3(GUF1):c.1559A>C (p.Glu520Ala)

Gene: GUF1 (GTP binding elongation factor GUF1; plus strand). Cytogenetic location: 4p12.
Variant type: single nucleotide variant.
Coding change: c.1559A>C on transcript NM_021927.3 (MANE Select); coding-DNA position 1559, A replaced by C.
Protein change: p.Glu520Ala; replaces glutamic acid 520 with alanine.
Molecular consequence: missense variant.
Genome position (GRCh38, 1-based): chr4:44,691,745, A>C. VCF-style: chr4-44691745-A-C. GRCh37 (hg19) VCF-style: chr4-44693762-A-C.
Other names: c.587A>C, p.Glu196Ala (NM_001345867.2, NM_001345869.2); c.1559A>C, p.Glu520Ala (NM_001345868.2); short protein forms E196A, E520A.
Identifiers: ClinVar variation 3690430 (VCV003690430.2).

ClinVar aggregate classification (germline): Uncertain significance (1 of 4 stars; one submission).

Submission:

Labcorp Genetics (formerly Invitae), Labcorp
Classification: Uncertain significance. Last evaluated: 2025-09-18. Review status: criteria provided, single submitter. Criteria: Invitae Variant Classification Sherloc (09022015). Collection method: clinical testing. Allele origin: germline.
Comment: This sequence change replaces glutamic acid, which is acidic and polar, with alanine, which is neutral and non-polar, at codon 520 of the GUF1 protein (p.Glu520Ala). This variant is not present in population databases (gnomAD no frequency). This variant has not been reported in the literature in individuals affected with GUF1-related conditions. ClinVar contains an entry for this variant (Variation ID: 3690430). Invitae Evidence Modeling of protein sequence and biophysical properties (such as structural, functional, and spatial information, amino acid conservation, physicochemical variation, residue mobility, and thermodynamic stability) has been performed for this missense variant. However, the output from this modeling did not meet the statistical confidence thresholds required to predict the impact of this variant on GUF1 protein function. In summary, the available evidence is currently insufficient to determine the role of this variant in disease. Therefore, it has been classified as a Variant of Uncertain Significance.